The following is an entry in ClinVar:

ClinVar aggregate classification (germline): Pathogenic/Likely pathogenic. Review status: criteria provided, multiple submitters, no conflicts (2 of 4 stars). 7 submissions from 7 submitters: Pathogenic (2); Likely pathogenic (4). 1 of the submissions does not count toward it. Last evaluated 2024-07-08.

Conditions:
Retinal dystrophy. Also called: Inherited retinal dystrophy. Identifiers: Orphanet 71862, MedGen C0854723, MeSH D058499, MONDO:0019118, HP:0000556.
CNGB3-related disorder. Also called: CNGB3-related condition; CNGB3-related disorders. Identifiers: MedGen CN239340.
Achromatopsia. Also called: Rod monochromatism. Identifiers: Orphanet 49382, MedGen C0152200, MONDO:0018852, HP:0011516.
Achromatopsia 3 (ACHM3). Also called: PINGELAPESE BLINDNESS; TOTAL COLORBLINDNESS WITH MYOPIA; ROD MONOCHROMACY 1; ROD MONOCHROMATISM 1; ACHROMATOPSIA WITH MYOPIA. Identifiers: Orphanet 49382, MedGen C1849792, MONDO:0009875, OMIM 262300.

Allele frequency attached by ClinVar (database versions not stated): gnomAD 0.00001; gnomAD exomes 0.00001 and 0.00002; TOPMed 0.00001; ExAC 0.00002.
gnomAD v4.1: 13 of 1,613,976 alleles (0.00081%); highest among the groups gnomAD compares: Non-Finnish European, 0.00093%; no homozygotes.

Submissions (7):

Labcorp Genetics (formerly Invitae), Labcorp
Classification: Pathogenic. Last evaluated: 2024-07-08. Review status: criteria provided, single submitter. Criteria: Invitae Variant Classification Sherloc (09022015). Collection method: clinical testing. Allele origin: germline.
Comment: This sequence change creates a premature translational stop signal (p.Glu671*) in the CNGB3 gene. It is expected to result in an absent or disrupted protein product. Loss-of-function variants in CNGB3 are known to be pathogenic (PMID: 28795510). This variant is present in population databases (rs761969118, gnomAD 0.003%). This variant has not been reported in the literature in individuals affected with CNGB3-related conditions. ClinVar contains an entry for this variant (Variation ID: 864643). For these reasons, this variant has been classified as Pathogenic.

Natera, Inc.
Classification: Likely pathogenic for Achromatopsia. Last evaluated: 2024-06-07. Review status: criteria provided, single submitter. Criteria: Natera Variant Classification Schema (03/2026). Collection method: clinical testing. Allele origin: germline.
Comment: The c.2011G>T variant in CNGB3 is a nonsense variant predicted to introduce a stop codon at amino acid 671. This variant is expected to result in nonsense mediated decay, truncation, or a dysfunctional protein product. This variant is rare in the general population with a frequency below the threshold expected for the associated phenotype(s). Given the available evidence, this variant is classified as Likely Pathogenic.

Fulgent Genetics
Classification: Likely pathogenic for Achromatopsia 3. Last evaluated: 2024-02-21. Review status: criteria provided, single submitter. Criteria: ACMG Guidelines, 2015. Collection method: clinical testing. Allele origin: germline.

Blueprint Genetics
Classification: Likely pathogenic for CNGB3-related disorders. Last evaluated: 2024-01-10. Review status: criteria provided, single submitter. Criteria: ACMG Guidelines, 2015. Collection method: clinical testing. Allele origin: germline. Affected: yes. Observed: 5 variant alleles.

Department of Pathology and Laboratory Medicine, Sinai Health System
Classification: Likely pathogenic for Achromatopsia 3. Last evaluated: 2021-07-30. Review status: criteria provided, single submitter. Criteria: ACMG Guidelines, 2015. Collection method: research. Allele origin: germline.

Institute of Human Genetics, Univ. Regensburg, Univ. Regensburg
Classification: Pathogenic for Retinal dystrophy. Last evaluated: 2021-01-01. Review status: criteria provided, single submitter. Criteria: ACMG Guidelines, 2015. Collection method: clinical testing. Allele origin: germline. Affected: yes.

PreventionGenetics, part of Exact Sciences
Classification: Pathogenic for CNGB3-related condition. Last evaluated: 2024-09-09. Review status: no assertion criteria provided. Collection method: clinical testing. Allele origin: germline. Not counted in ClinVar's aggregate classification.
Comment: The CNGB3 c.2011G>T variant is predicted to result in premature protein termination (p.Glu671*). To our knowledge, this variant has not been reported in the literature in association with disease. This variant is reported in 0.0035% of alleles in individuals of European (Non-Finnish) descent in gnomAD. Nonsense variants in CNGB3 are an established mechanism of disease. This variant is interpreted as pathogenic.

Literature cited by the submitters: PubMed 28795510 (cited by Labcorp Genetics (formerly Invitae), Labcorp); PubMed 31964843 (cited by Institute of Human Genetics, Univ. Regensburg, Univ. Regensburg).

NM_019098.5(CNGB3):c.2011G>T (p.Glu671Ter)

Gene: CNGB3 (cyclic nucleotide gated channel subunit beta 3; minus strand). Cytogenetic location: 8q21.3.
Variant type: single nucleotide variant.
Coding change: c.2011G>T on transcript NM_019098.5 (MANE Select); coding-DNA position 2011, G replaced by T.
Protein change: p.Glu671Ter; replaces glutamic acid 671 with a stop codon.
Molecular consequence: nonsense.
Genome position (GRCh38, 1-based): chr8:86,578,781, C>A on the plus strand (G>T on the coding strand, the complement: CNGB3 is on the minus strand). VCF-style: chr8-86578781-C-A. GRCh37 (hg19) VCF-style: chr8-87591009-C-A.
Other names: short protein forms E671*.
Identifiers: ClinVar variation 864643 (VCV000864643.13), dbSNP rs761969118, ClinGen allele CA4799824.